The following is an entry in ClinVar:

ClinVar aggregate classification (germline): Uncertain significance (1 of 4 stars; one submission).

Conditions:
Hyperphosphatasia with intellectual disability syndrome 5 (GPIBD11). Also called: GLYCOSYLPHOSPHATIDYLINOSITOL BIOSYNTHESIS DEFECT 11. Identifiers: Orphanet 247262, MedGen C4014958, MONDO:0014457, OMIM 616025.

Allele frequency attached by ClinVar (database versions not stated): TOPMed below 0.00001.

Submission:

Victorian Clinical Genetics Services, Murdoch Childrens Research Institute
Classification: Uncertain significance for Hyperphosphatasia with intellectual disability syndrome 5. Last evaluated: 2020-05-26. Review status: criteria provided, single submitter. Criteria: ACMG Guidelines, 2015. Collection method: clinical testing. Allele origin: germline. Inheritance: Autosomal recessive inheritance. Affected: yes.
Comment: Based on the classification scheme VCGS_Germline_v1.1.1, this variant is classified as 3A-VUS. Following criteria are met: 0102 - Loss-of-function is a known mechanism of disease for this gene. (N) 0106 - This gene is known to be associated with autosomal recessive disease. (N) 0200 - Variant is predicted to result in a missense amino acid change from arginine to isoleucine (exon 2). (N) 0251 - Variant is heterozygous. (N) 0301 - Variant is absent from gnomAD. (P) 0309 - An alternative amino acid change at the same position has been observed in gnomAD (3 heterozygotes, 0 homozygotes). (N) 0501 - Missense variant consistently predicted to be damaging by multiple in silico tools or highly conserved with a major amino acid change. (P) 0604 - Variant is not located in an established domain, motif, hotspot or informative constraint region. (N) 0705 - No comparable variants have previous evidence for pathogenicity. (N) 0807 - Variant has not previously been reported in a clinical context. (N) 0905 - No segregation evidence has been identified for this variant. (N) 1007 - No published functional evidence has been identified for this variant. (N) 1208 - Inheritance information for this variant is not currently available. (N) Legend: (P) - Pathogenic, (N) - Neutral, (B) - Benign

NM_001346754.2(PIGW):c.464G>T (p.Arg155Ile)

Genes: MYO19 (myosin XIX; minus strand), PIGW (phosphatidylinositol glycan anchor biosynthesis class W; plus strand). Cytogenetic location: 17q12.
Variant type: single nucleotide variant.
Coding change: c.464G>T on transcript NM_001346754.2 (MANE Select); coding-DNA position 464, G replaced by T.
Protein change: p.Arg155Ile; replaces arginine 155 with isoleucine.
Molecular consequence: missense variant.
Genome position (GRCh38, 1-based): chr17:36,537,565, G>T. VCF-style: chr17-36537565-G-T. GRCh37 (hg19) VCF-style: chr17-34893414-G-T.
Other names: c.464G>T, p.Arg155Ile (NM_001346755.2, NM_178517.5); short protein forms R155I.
Identifiers: ClinVar variation 1805494 (VCV001805494.1), dbSNP rs1599477361, ClinGen allele CA399162730.